The following is an entry in ClinVar:

ClinVar aggregate classification (germline): Uncertain significance. Review status: criteria provided, multiple submitters, no conflicts (2 of 4 stars). 2 submissions from 2 submitters: Uncertain significance (2). Last evaluated 2024-01-30.

Conditions:
Inborn genetic diseases. Identifiers: MedGen C0950123, MeSH D030342.

Allele frequency attached by ClinVar (database versions not stated): gnomAD exomes below 0.00001; TOPMed below 0.00001; gnomAD 0.00001.

Submissions (2):

Ambry Genetics
Classification: Uncertain significance for Inborn genetic diseases. Last evaluated: 2024-01-30. Review status: criteria provided, single submitter. Criteria: Ambry Variant Classification Scheme 2023. Collection method: clinical testing. Allele origin: germline.

Labcorp Genetics (formerly Invitae), Labcorp
Classification: Uncertain significance. Last evaluated: 2020-11-10. Review status: criteria provided, single submitter. Criteria: Invitae Variant Classification Sherloc (09022015). Collection method: clinical testing. Allele origin: germline.
Comment: In summary, the available evidence is currently insufficient to determine the role of this variant in disease. Therefore, it has been classified as a Variant of Uncertain Significance. Algorithms developed to predict the effect of missense changes on protein structure and function (SIFT, PolyPhen-2, Align-GVGD) all suggest that this variant is likely to be disruptive, but these predictions have not been confirmed by published functional studies and their clinical significance is uncertain. This variant has not been reported in the literature in individuals with FGFR3-related conditions. This variant is not present in population databases (ExAC no frequency). This sequence change replaces proline with serine at codon 436 of the FGFR3 protein (p.Pro436Ser). The proline residue is highly conserved and there is a moderate physicochemical difference between proline and serine.

NM_000142.5(FGFR3):c.1306C>T (p.Pro436Ser)

Gene: FGFR3 (fibroblast growth factor receptor 3; plus strand). Cytogenetic location: 4p16.3.
Variant type: single nucleotide variant.
Coding change: c.1306C>T on transcript NM_000142.5 (MANE Select); coding-DNA position 1306, C replaced by T.
Protein change: p.Pro436Ser; replaces proline 436 with serine.
Molecular consequence: missense variant. On other transcripts: non-coding transcript variant (1).
Genome position (GRCh38, 1-based): chr4:1,804,863, C>T. VCF-style: chr4-1804863-C-T. GRCh37 (hg19) VCF-style: chr4-1806590-C-T.
Other names: c.1312C>T, p.Pro438Ser (NM_001163213.2); c.1309C>T, p.Pro437Ser (NM_001354809.2, NM_001354810.2); c.970C>T, p.Pro324Ser (NM_022965.4); c.1306C>T (NM_000142.4); short protein forms P324S, P436S, P437S, P438S.
Identifiers: ClinVar variation 1680069 (VCV001680069.7), dbSNP rs1721680684, ClinGen allele CA355980159.
Genomic context (GRCh38, chr4:1,804,863, plus strand): 5'-TGCCCCTGCTGACCCAAGCAGGTGTCCCTGGAGTCCAACGCGTCCATGAGCTCCAACACA[C>T]CACTGGTGCGCATCGCAAGGCTGTCCTCAGGGGAGGGCCCCACGCTGGCCAATGTCTCCG-3'
Protein context (NP_000133.1, residues 426-446): ESNASMSSNT[Pro436Ser]LVRIARLSSG